The following is an entry in ClinVar:

NM_201384.3(PLEC):c.6074G>A (p.Arg2025Gln)

Gene: PLEC (plectin; minus strand). Cytogenetic location: 8q24.3.
Variant type: single nucleotide variant.
Coding change: c.6074G>A on transcript NM_201384.3 (MANE Select); coding-DNA position 6074, G replaced by A.
Protein change: p.Arg2025Gln; replaces arginine 2025 with glutamine.
Molecular consequence: missense variant.
Genome position (GRCh38, 1-based): chr8:143,923,855, C>T on the plus strand (G>A on the coding strand, the complement: PLEC is on the minus strand). VCF-style: chr8-143923855-C-T. GRCh37 (hg19) VCF-style: chr8-144998023-C-T.
Other names: c.6155G>A, p.Arg2052Gln (NM_000445.5); c.6032G>A, p.Arg2011Gln (NM_201378.4); c.6008G>A, p.Arg2003Gln (NM_201379.3); c.6485G>A, p.Arg2162Gln (NM_201380.4); c.5978G>A, p.Arg1993Gln (NM_201381.3); c.6074G>A, p.Arg2025Gln (NM_201382.4); c.6086G>A, p.Arg2029Gln (NM_201383.3); short protein forms R1993Q, R2003Q, R2011Q, R2025Q, R2029Q, R2052Q, R2162Q.
Identifiers: ClinVar variation 448075 (VCV000448075.10), dbSNP rs546512137, ClinGen allele CA4926117.

ClinVar aggregate classification (germline): Uncertain significance. Review status: criteria provided, multiple submitters, no conflicts (2 of 4 stars). 4 submissions from 4 submitters: Uncertain significance (4). Last evaluated 2023-12-20.

Conditions:
Autosomal recessive limb-girdle muscular dystrophy type 2Q (LGMDR17). Also called: MUSCULAR DYSTROPHY, LIMB-GIRDLE, AUTOSOMAL RECESSIVE 17. Identifiers: Orphanet 254361, MedGen C3150989, MONDO:0013390, OMIM 613723.
Epidermolysis bullosa simplex with nail dystrophy (EBS5D). Identifiers: MedGen C4225309, MONDO:0014661, OMIM 616487.
Epidermolysis bullosa simplex 5C, with pyloric atresia (EBS5C). Also called: PLEC1-Related Epidermolysis Bullosa with Pyloric Atresia; PLEC-Related Epidermolysis Bullosa with Pyloric Atresia; Epidermolysis bullosa simplex with pyloric atresia. Identifiers: Orphanet 158684, MedGen C2677349, MONDO:0012807, OMIM 612138.
Epidermolysis bullosa simplex, Ogna type (EBS5A). Also called: Pidermolysis bullosa simplex 5A, Ogna type; EPIDERMOLYSIS BULLOSA SIMPLEX 5A, OGNA TYPE. Identifiers: Orphanet 79401, MedGen C0432317, MONDO:0007555, OMIM 131950.
Epidermolysis bullosa simplex 5B, with muscular dystrophy (EBS5B). Also called: Epidermolysis bullosa simplex with muscular dystrophy; EPIDERMOLYSIS BULLOSA SIMPLEX AND LIMB-GIRDLE MUSCULAR DYSTROPHY. Identifiers: Orphanet 257, MedGen C2931072, MONDO:0009181, OMIM 226670.

Allele frequency attached by ClinVar (database versions not stated): gnomAD 0.00003 and 0.00004; gnomAD exomes 0.00003 and 0.00004; ExAC 0.00005; TOPMed 0.00006; 1000 Genomes Project 30x 0.00016; 1000 Genomes Project 0.00020.
gnomAD v4.1: 49 of 1,590,160 alleles (0.0031%); highest among the groups gnomAD compares: East Asian, 0.025%; no homozygotes.

Submissions (4):

Blueprint Genetics
Classification: Uncertain significance. Last evaluated: 2023-12-20. Review status: criteria provided, single submitter. Criteria: ACMG Guidelines, 2015. Collection method: clinical testing. Allele origin: germline.

Labcorp Genetics (formerly Invitae), Labcorp
Classification: Uncertain significance for Autosomal recessive limb-girdle muscular dystrophy type 2Q; Epidermolysis bullosa simplex, Ogna type; Epidermolysis bullosa simplex with nail dystrophy; Epidermolysis bullosa simplex 5C, with pyloric atresia; Epidermolysis bullosa simplex 5B, with muscular dystrophy. Last evaluated: 2022-09-17. Review status: criteria provided, single submitter. Criteria: Invitae Variant Classification Sherloc (09022015). Collection method: clinical testing. Allele origin: germline.
Comment: This variant has not been reported in the literature in individuals affected with PLEC-related conditions. This sequence change replaces arginine, which is basic and polar, with glutamine, which is neutral and polar, at codon 2052 of the PLEC protein (p.Arg2052Gln). This variant is present in population databases (rs546512137, gnomAD 0.02%). ClinVar contains an entry for this variant (Variation ID: 448075). Algorithms developed to predict the effect of missense changes on protein structure and function are either unavailable or do not agree on the potential impact of this missense change (SIFT: "Deleterious"; PolyPhen-2: "Benign"; Align-GVGD: "Class C0"). Algorithms developed to predict the effect of sequence changes on RNA splicing suggest that this variant may create or strengthen a splice site. In summary, the available evidence is currently insufficient to determine the role of this variant in disease. Therefore, it has been classified as a Variant of Uncertain Significance.

Revvity Omics, Revvity
Classification: Uncertain significance. Last evaluated: 2019-08-06. Review status: criteria provided, single submitter. Criteria: ACMG Guidelines, 2015. Collection method: clinical testing. Allele origin: germline.

Athena Diagnostics
Classification: Uncertain significance. Last evaluated: 2017-02-06. Review status: criteria provided, single submitter. Criteria: Athena Diagnostics Criteria. Collection method: clinical testing. Allele origin: germline.